The following is an entry in ClinVar:

ClinVar aggregate classification (germline): Benign/Likely benign. Review status: criteria provided, multiple submitters, no conflicts (2 of 4 stars). 11 submissions from 11 submitters: Benign (3); Likely benign (7). 1 of the submissions does not count toward it. Last evaluated 2026-01-06.

Conditions:
CDH1-related disorder. Also called: CDH1-related condition.
Hereditary cancer-predisposing syndrome. Also called: Tumor predisposition; Hereditary Cancer Syndrome; Hereditary neoplastic syndrome; Neoplastic Syndromes, Hereditary. Identifiers: Orphanet 140162, MedGen C0027672, MeSH D009386, MONDO:0015356.
Hereditary diffuse gastric adenocarcinoma (HDGC). Also called: DIFFUSE GASTRIC AND LOBULAR BREAST CANCER SYNDROME. Identifiers: Orphanet 26106, MedGen C1708349, MONDO:0007648, OMIM 137215.

Allele frequency attached by ClinVar (database versions not stated): gnomAD 0.00003; TOPMed 0.00006; ExAC 0.00009; 1000 Genomes Project 30x 0.00016; 1000 Genomes Project 0.00020.
gnomAD v4.1: 42 of 1,614,152 alleles (0.0026%); highest among the groups gnomAD compares: South Asian, 0.014%; no homozygotes.

Submissions (11):

Labcorp Genetics (formerly Invitae), Labcorp
Classification: Likely benign for Hereditary diffuse gastric adenocarcinoma. Last evaluated: 2026-01-06. Review status: criteria provided, single submitter. Criteria: Invitae Variant Classification Sherloc (09022015). Collection method: clinical testing. Allele origin: germline.

Center for Genomic Medicine, Rigshospitalet, Copenhagen University Hospital
Classification: Likely benign. Last evaluated: 2025-03-04. Review status: criteria provided, single submitter. Criteria: ACMG Guidelines, 2015. Collection method: clinical testing. Allele origin: germline.

Myriad Genetics, Inc.
Classification: Benign for Hereditary diffuse gastric adenocarcinoma. Last evaluated: 2024-09-23. Review status: criteria provided, single submitter. Criteria: Myriad Autosomal Dominant, Autosomal Recessive and X-Linked Classification Criteria (2023). Collection method: clinical testing. Allele origin: unknown.
Comment: This variant is considered benign. This variant is a silent/synonymous amino acid change and it is not expected to impact splicing.

Sema4
Classification: Likely benign for Hereditary cancer-predisposing syndrome. Last evaluated: 2021-02-05. Review status: criteria provided, single submitter. Criteria: Sema4 Curation Guidelines. Collection method: curation. Allele origin: germline.

GeneDx
Classification: Likely benign. Last evaluated: 2019-08-14. Review status: criteria provided, single submitter. Criteria: GeneDx Variant Classification Process June 2021. Collection method: clinical testing. Allele origin: germline. Affected: yes.
Comment: This variant is associated with the following publications: (PMID: 27284491)

Women's Health and Genetics/Laboratory Corporation of America, LabCorp
Classification: Benign. Last evaluated: 2018-04-30. Review status: criteria provided, single submitter. Criteria: LabCorp Variant Classification Summary - May 2015. Collection method: clinical testing. Allele origin: germline.
Comment: Variant summary: CDH1 c.2331C>T alters a non-conserved nucleotide resulting in a synonymous change. 5/5 computational tools predict no significant impact on normal splicing. However, these predictions have yet to be confirmed by functional studies. The variant was observed with an allele frequency of 6.1e-05 in 246240 control chromosomes (gnomAD). The observed variant frequency within South Asian control individuals in the gnomAD database is approximately 8-folds higher than the estimated maximal expected allele frequency for a pathogenic variant in CDH1 causing Hereditary Diffuse Gastric Cancer phenotype (2.8e-05), strongly suggesting that the variant is a benign polymorphism found primarily in populations of South Asian origin. The variant, c.2331C>T, has been reported in the literature as a somatic occurrence in an individual (Wheeler_2016). This report does not provide unequivocal conclusions about association of the variant with Hereditary Diffuse Gastric Cancer. To our knowledge, no experimental evidence demonstrating an impact on protein function has been reported. Multiple ClinVar submissions from clinical diagnostic laboratories (evaluation after 2014) cite the variant as "likely benign." Based on the evidence outlined above, the variant was classified as benign.

Quest Diagnostics Nichols Institute San Juan Capistrano
Classification: Benign. Last evaluated: 2018-03-02. Review status: criteria provided, single submitter. Criteria: Quest Diagnostics criteria. Collection method: clinical testing. Allele origin: unknown.

Illumina Laboratory Services, Illumina
Classification: Likely benign for Hereditary diffuse gastric adenocarcinoma. Last evaluated: 2018-01-12. Review status: criteria provided, single submitter. Criteria: ICSL Variant Classification Criteria 13 December 2019. Collection method: clinical testing. Allele origin: germline.
Comment: This variant was observed in the ICSL laboratory as part of a predisposition screen in an ostensibly healthy population. It had not been previously curated by ICSL or reported in the Human Gene Mutation Database (HGMD: prior to June 1st, 2018), and was therefore a candidate for classification through an automated scoring system. Utilizing variant allele frequency, disease prevalence and penetrance estimates, and inheritance mode, an automated score was calculated to assess if this variant is too frequent to cause the disease. Based on the score and internal cut-off values, a variant classified as likely benign is not then subjected to further curation. The score for this variant resulted in a classification of likely benign for this disease.

Color Diagnostics, LLC DBA Color Health
Classification: Likely benign for Hereditary cancer-predisposing syndrome. Last evaluated: 2016-12-12. Review status: criteria provided, single submitter. Criteria: ACMG Guidelines, 2015. Collection method: clinical testing. Allele origin: germline.

Ambry Genetics
Classification: Likely benign for Hereditary cancer-predisposing syndrome. Last evaluated: 2014-12-10. Review status: criteria provided, single submitter. Criteria: Ambry Variant Classification Scheme 2023. Collection method: clinical testing. Allele origin: germline.

PreventionGenetics, part of Exact Sciences
Classification: Likely benign for CDH1-related condition. Last evaluated: 2019-11-15. Review status: no assertion criteria provided. Collection method: clinical testing. Allele origin: germline. Not counted in ClinVar's aggregate classification.
Comment: This variant is classified as likely benign based on ACMG/AMP sequence variant interpretation guidelines (Richards et al. 2015 PMID: 25741868, with internal and published modifications).

Literature cited by the submitters: PubMed 27284491 (cited by Women's Health and Genetics/Laboratory Corporation of America, LabCorp and Quest Diagnostics Nichols Institute San Juan Capistrano).

NM_004360.5(CDH1):c.2331C>T (p.Asp777=)

Gene: CDH1 (cadherin 1; plus strand). Cytogenetic location: 16q22.1.
Variant type: single nucleotide variant.
Coding change: c.2331C>T on transcript NM_004360.5 (MANE Select); coding-DNA position 2331, C replaced by T.
Protein change: p.Asp777=; no amino-acid change (aspartic acid 777 retained).
Molecular consequence: synonymous variant.
Genome position (GRCh38, 1-based): chr16:68,829,689, C>T. VCF-style: chr16-68829689-C-T. GRCh37 (hg19) VCF-style: chr16-68863592-C-T.
Other names: c.2331C>T (LRG_301t1); c.2148C>T, p.Asp716= (NM_001317184.2); c.783C>T, p.Asp261= (NM_001317185.2); c.366C>T, p.Asp122= (NM_001317186.2).
Identifiers: ClinVar variation 184091 (VCV000184091.32), dbSNP rs114265540, ClinGen allele CA187756.